The following is an entry in ClinVar:

NM_013382.7(POMT2):c.1006+212A>G

Gene: POMT2 (protein O-mannosyltransferase 2; minus strand). Cytogenetic location: 14q24.3.
Variant type: single nucleotide variant.
Coding change: c.1006+212A>G on transcript NM_013382.7 (MANE Select); 212 bases into the intron after coding-DNA position 1006, A replaced by G.
Molecular consequence: intron variant.
Genome position (GRCh38, 1-based): chr14:77,298,477, T>C on the plus strand (A>G on the coding strand, the complement: POMT2 is on the minus strand). VCF-style: chr14-77298477-T-C. GRCh37 (hg19) VCF-style: chr14-77764820-T-C.
Identifiers: ClinVar variation 673021 (VCV000673021.1), dbSNP rs73311328, ClinGen allele CA13981161.

ClinVar aggregate classification (germline): Benign (1 of 4 stars; one submission).

Allele frequency attached by ClinVar (database versions not stated): gnomAD 0.10410 and 0.10956; 1000 Genomes Project 0.10823; TOPMed 0.11108; 1000 Genomes Project 30x 0.11212.
gnomAD v4.1: 15,799 of 152,260 alleles (10%); highest among the groups gnomAD compares: African/African-American, 27%; 1,619 homozygotes.

Submission:

GeneDx
Classification: Benign. Last evaluated: 2018-06-14. Review status: criteria provided, single submitter. Criteria: GeneDx Variant Classification (06012015). Collection method: clinical testing. Allele origin: germline. Affected: yes.
Comment: This variant is considered likely benign or benign based on one or more of the following criteria: it is a conservative change, it occurs at a poorly conserved position in the protein, it is predicted to be benign by multiple in silico algorithms, and/or has population frequency not consistent with disease.